The following is an entry in ClinVar:

NM_000878.5(IL2RB):c.1526T>G (p.Val509Gly)

Gene: IL2RB (interleukin 2 receptor subunit beta; minus strand). Cytogenetic location: 22q12.3.
Variant type: single nucleotide variant.
Coding change: c.1526T>G on transcript NM_000878.5 (MANE Select); coding-DNA position 1526, T replaced by G.
Protein change: p.Val509Gly; replaces valine 509 with glycine.
Molecular consequence: missense variant.
Genome position (GRCh38, 1-based): chr22:37,128,226, A>C on the plus strand (T>G on the coding strand, the complement: IL2RB is on the minus strand). VCF-style: chr22-37128226-A-C. GRCh37 (hg19) VCF-style: chr22-37524266-A-C.
Other names: c.1526T>G, p.Val509Gly (NM_001346222.1, NM_001346223.2); short protein forms V509G.
Identifiers: ClinVar variation 1922469 (VCV001922469.6), dbSNP rs761209228, ClinGen allele CA10216308.

ClinVar aggregate classification (germline): Uncertain significance. Review status: criteria provided, multiple submitters, no conflicts (2 of 4 stars). 2 submissions from 2 submitters: Uncertain significance (2). Last evaluated 2023-05-24.

Allele frequency attached by ClinVar (database versions not stated): ExAC 0.00001; gnomAD 0.00001.
gnomAD v4.1: 4 of 1,505,904 alleles (0.00027%); highest among the groups gnomAD compares: Admixed American, 0.007%; no homozygotes.

Submissions (2):

Blueprint Genetics
Classification: Uncertain significance. Last evaluated: 2023-05-24. Review status: criteria provided, single submitter. Criteria: ACMG Guidelines, 2015. Collection method: clinical testing. Allele origin: germline.

Labcorp Genetics (formerly Invitae), Labcorp
Classification: Uncertain significance. Last evaluated: 2022-05-14. Review status: criteria provided, single submitter. Criteria: Invitae Variant Classification Sherloc (09022015). Collection method: clinical testing. Allele origin: germline.
Comment: In summary, the available evidence is currently insufficient to determine the role of this variant in disease. Therefore, it has been classified as a Variant of Uncertain Significance. Algorithms developed to predict the effect of missense changes on protein structure and function (SIFT, PolyPhen-2, Align-GVGD) all suggest that this variant is likely to be tolerated. This variant has not been reported in the literature in individuals affected with IL2RB-related conditions. This variant is present in population databases (rs761209228, gnomAD 0.001%). This sequence change replaces valine, which is neutral and non-polar, with glycine, which is neutral and non-polar, at codon 509 of the IL2RB protein (p.Val509Gly).